The following is an entry in ClinVar:

NM_001378477.3(NYX):c.928A>G (p.Thr310Ala)

Gene: NYX (nyctalopin; plus strand). Cytogenetic location: Xp11.4.
Variant type: single nucleotide variant.
Coding change: c.928A>G on transcript NM_001378477.3 (MANE Select); coding-DNA position 928, A replaced by G.
Protein change: p.Thr310Ala; replaces threonine 310 with alanine.
Molecular consequence: missense variant.
Genome position (GRCh38, 1-based): chrX:41,474,396, A>G. VCF-style: chrX-41474396-A-G. GRCh37 (hg19) VCF-style: chrX-41333649-A-G.
Other names: c.928A>G, p.Thr310Ala (NM_022567.3); short protein forms T310A.
Identifiers: ClinVar variation 1396000 (VCV001396000.6), dbSNP rs766895013, ClinGen allele CA10389884.
Genomic context (GRCh38, chrX:41,474,396, plus strand): 5'-GAGGGCGCCTTCCAGAACCTCTCGGGTCTCCTCGCGCTGCACCTCAACGGCAACCGCCTC[A>G]CCGTGCTCGCCTGGGTCGCCTTCCAGCCCGGCTTCTTCCTGGGCCGCCTCTTCCTCTTCC-3'
Protein context (NP_001365406.2, residues 300-320): LALHLNGNRL[Thr310Ala]VLAWVAFQPG

ClinVar aggregate classification (germline): Uncertain significance (1 of 4 stars; one submission).

Allele frequency attached by ClinVar (database versions not stated): gnomAD 0.00001; gnomAD exomes 0.00001 and below 0.00001; ExAC 0.00001.

Submission:

Labcorp Genetics (formerly Invitae), Labcorp
Classification: Uncertain significance. Last evaluated: 2022-07-12. Review status: criteria provided, single submitter. Criteria: Invitae Variant Classification Sherloc (09022015). Collection method: clinical testing. Allele origin: germline.
Comment: This sequence change replaces threonine, which is neutral and polar, with alanine, which is neutral and non-polar, at codon 315 of the NYX protein (p.Thr315Ala). This variant is present in population databases (rs766895013, gnomAD 0.004%). This variant has not been reported in the literature in individuals affected with NYX-related conditions. ClinVar contains an entry for this variant (Variation ID: 1396000). Algorithms developed to predict the effect of missense changes on protein structure and function output the following: SIFT: "Deleterious"; PolyPhen-2: "Benign"; Align-GVGD: "Class C55". The alanine amino acid residue is found in multiple mammalian species, which suggests that this missense change does not adversely affect protein function. In summary, the available evidence is currently insufficient to determine the role of this variant in disease. Therefore, it has been classified as a Variant of Uncertain Significance.